The following is an entry in ClinVar:

ClinVar aggregate classification (germline): Uncertain significance (1 of 4 stars; one submission).

Conditions:
TNF receptor-associated periodic fever syndrome (TRAPS) (FPF). Also called: FAMILIAL HIBERNIAN FEVER; TNF RECEPTOR-ASSOCIATED PERIODIC SYNDROME; TUMOR NECROSIS FACTOR RECEPTOR-ASSOCIATED PERIODIC SYNDROME; TNF Receptor-Associated Periodic Fever Syndrome; TNF receptor 1-associated periodic fever syndrome; Autosomal Dominant Familial Periodic Fever. Identifiers: Orphanet 32960, MedGen C1275126, MONDO:0007727, OMIM 142680.

Submission:

Labcorp Genetics (formerly Invitae), Labcorp
Classification: Uncertain significance for TNF receptor-associated periodic fever syndrome (TRAPS). Last evaluated: 2022-05-25. Review status: criteria provided, single submitter. Criteria: Invitae Variant Classification Sherloc (09022015). Collection method: clinical testing. Allele origin: germline.
Comment: In summary, the available evidence is currently insufficient to determine the role of this variant in disease. Therefore, it has been classified as a Variant of Uncertain Significance. Advanced modeling of protein sequence and biophysical properties (such as structural, functional, and spatial information, amino acid conservation, physicochemical variation, residue mobility, and thermodynamic stability) performed at Invitae indicates that this missense variant is expected to disrupt TNFRSF1A protein function. This variant has not been reported in the literature in individuals affected with TNFRSF1A-related conditions. This variant is not present in population databases (gnomAD no frequency). This sequence change replaces arginine, which is basic and polar, with glycine, which is neutral and non-polar, at codon 408 of the TNFRSF1A protein (p.Arg408Gly).

NM_001065.4(TNFRSF1A):c.1222A>G (p.Arg408Gly)

Gene: TNFRSF1A (TNF receptor superfamily member 1A; minus strand). Cytogenetic location: 12p13.31.
Variant type: single nucleotide variant.
Coding change: c.1222A>G on transcript NM_001065.4 (MANE Select); coding-DNA position 1222, A replaced by G.
Protein change: p.Arg408Gly; replaces arginine 408 with glycine.
Molecular consequence: missense variant. On other transcripts: non-coding transcript variant (1).
Genome position (GRCh38, 1-based): chr12:6,329,458, T>C on the plus strand (A>G on the coding strand, the complement: TNFRSF1A is on the minus strand). VCF-style: chr12-6329458-T-C. GRCh37 (hg19) VCF-style: chr12-6438624-T-C.
Other names: c.898A>G, p.Arg300Gly (NM_001346091.2); c.763A>G, p.Arg255Gly (NM_001346092.2); short protein forms R300G, R408G, R255G.
Identifiers: ClinVar variation 1998607 (VCV001998607.4), dbSNP rs1948000990, ClinGen allele CA383544777.
Genomic context (GRCh38, chr12:6,329,458, plus strand): 5'-TGTCGCGGAGCACGCGTCCCAGCAGCTCCAGCGTGGCCTCGCGCCGCGGCGTGCGCCGCC[T>C]CCAGGTCGCCAGCATGCTGTATTGCGCCTCGCGCAGGCAGCGCCCGTTCTGCAGCTCCAG-3'
Protein context (NP_001056.1, residues 398-418): EAQYSMLATW[Arg408Gly]RRTPRREATL